The following is an entry in ClinVar:

NM_000271.5(NPC1):c.586A>T (p.Lys196Ter)

Gene: NPC1 (NPC intracellular cholesterol transporter 1; minus strand). Cytogenetic location: 18q11.2.
Variant type: single nucleotide variant.
Coding change: c.586A>T on transcript NM_000271.5 (MANE Select); coding-DNA position 586, A replaced by T.
Protein change: p.Lys196Ter; replaces lysine 196 with a stop codon.
Molecular consequence: nonsense.
Genome position (GRCh38, 1-based): chr18:23,561,405, T>A on the plus strand (A>T on the coding strand, the complement: NPC1 is on the minus strand). VCF-style: chr18-23561405-T-A. GRCh37 (hg19) VCF-style: chr18-21141369-T-A.
Other names: short protein forms K196*.
Identifiers: ClinVar variation 983763 (VCV000983763.3), dbSNP rs754653682, ClinGen allele CA401782223.
Genomic context (GRCh38, chr18:23,561,405, plus strand): 5'-AATCTTTATACCTACCTGAAAACACAGGAGTGATGGTAAAAGGTGCCTGTCCATTGTCCT[T>A]ATTGAACATGTATTCAATCCAGTTGGTGGCATTACAGGCGTCAGCGTCCTTCCCACACAG-3'

ClinVar aggregate classification (germline): Likely pathogenic (1 of 4 stars; one submission).

Conditions:
Niemann-Pick disease, type C1. Also called: NIEMANN-PICK DISEASE, VARIANT TYPE C1; NIEMANN-PICK DISEASE WITHOUT SPHINGOMYELINASE DEFICIENCY; NIEMANN-PICK DISEASE, CHRONIC NEURONOPATHIC FORM; NEUROVISCERAL STORAGE DISEASE WITH VERTICAL SUPRANUCLEAR OPHTHALMOPLEGIA; NIEMANN-PICK DISEASE WITH CHOLESTEROL ESTERIFICATION BLOCK. Identifiers: Orphanet 646, MedGen C3179455, MONDO:0009757, OMIM 257220.

Submission:

Myriad Genetics, Inc.
Classification: Likely pathogenic for Niemann-Pick disease, type C1. Last evaluated: 2019-12-13. Review status: criteria provided, single submitter. Criteria: Myriad Women's Health Autosomal Recessive and X-Linked Classification Criteria (2019). Collection method: clinical testing. Allele origin: unknown.
Comment: NM_000271.4(NPC1):c.586A>T(K196*) is expected to be pathogenic in the context of Niemann-Pick disease type C1. This variant is predicted to lead to an abnormal or absent protein product due to the creation of a premature termination codon in NPC1, a gene where loss-of-function variants are known to be pathogenic. Please note: this variant was assessed in the context of healthy population screening.